The following is an entry in ClinVar:

ClinVar aggregate classification (germline): Uncertain significance. Review status: criteria provided, multiple submitters, no conflicts (2 of 4 stars). 2 submissions from 2 submitters: Uncertain significance (2). Last evaluated 2024-02-14.

Conditions:
Primary ciliary dyskinesia. Also called: Ciliary dyskinesia. Identifiers: Orphanet 244, MedGen C0008780, MONDO:0016575, HP:0012265.

Submissions (2):

Labcorp Genetics (formerly Invitae), Labcorp
Classification: Uncertain significance for Primary ciliary dyskinesia. Last evaluated: 2024-02-14. Review status: criteria provided, single submitter. Criteria: Invitae Variant Classification Sherloc (09022015). Collection method: clinical testing. Allele origin: germline.
Comment: This sequence change replaces glutamic acid, which is acidic and polar, with lysine, which is basic and polar, at codon 216 of the RPGR protein (p.Glu216Lys). This variant is not present in population databases (gnomAD no frequency). This variant has not been reported in the literature in individuals affected with RPGR-related conditions. Advanced modeling of protein sequence and biophysical properties (such as structural, functional, and spatial information, amino acid conservation, physicochemical variation, residue mobility, and thermodynamic stability) has been performed at Invitae for this missense variant, however the output from this modeling did not meet the statistical confidence thresholds required to predict the impact of this variant on RPGR protein function. In summary, the available evidence is currently insufficient to determine the role of this variant in disease. Therefore, it has been classified as a Variant of Uncertain Significance.

Blueprint Genetics
Classification: Uncertain significance. Last evaluated: 2021-09-10. Review status: criteria provided, single submitter. Criteria: ACMG Guidelines, 2015. Collection method: clinical testing. Allele origin: germline.

NM_001034853.2(RPGR):c.646G>A (p.Glu216Lys)

Gene: RPGR (retinitis pigmentosa GTPase regulator; minus strand). Cytogenetic location: Xp11.4.
Variant type: single nucleotide variant.
Coding change: c.646G>A on transcript NM_001034853.2 (MANE Select); coding-DNA position 646, G replaced by A.
Protein change: p.Glu216Lys; replaces glutamic acid 216 with lysine.
Molecular consequence: missense variant. On other transcripts: non-coding transcript variant (6).
Genome position (GRCh38, 1-based): chrX:38,310,747, C>T on the plus strand (G>A on the coding strand, the complement: RPGR is on the minus strand). VCF-style: chrX-38310747-C-T. GRCh37 (hg19) VCF-style: chrX-38170000-C-T.
Other names: c.646G>A, p.Glu216Lys (NM_000328.3, NM_001367246.1, NM_001367247.1 and 1 more transcripts); c.643G>A, p.Glu215Lys (NM_001367245.1, NM_001367249.1, NM_001367250.1); c.676G>A, p.Glu226Lys (NM_001367248.1); short protein forms E216K, E215K, E226K.
Identifiers: ClinVar variation 2703296 (VCV002703296.4), dbSNP rs2519866506, ClinGen allele CA412743021.
Genomic context (GRCh38, chrX:38,310,747, plus strand): 5'-GGGGTGTTCTGTGATTGCCCAGGAGCTGATTGGGAAGACCTAACTTCCCATTCTCAGGTT[C>T]TCCAAACACATATAGCTCACCATCTGCTATTGAAGGAAAAGTATAGTGATTAGTGATGAC-3'
Protein context (NP_001030025.1, residues 206-226): TTDGELYVFG[Glu216Lys]PENGKLGLPN